The following is an entry in ClinVar:

NM_144997.7(FLCN):c.1233G>A (p.Glu411=)

Gene: FLCN (folliculin; minus strand). Cytogenetic location: 17p11.2.
Variant type: single nucleotide variant.
Coding change: c.1233G>A on transcript NM_144997.7 (MANE Select); coding-DNA position 1233, G replaced by A.
Protein change: p.Glu411=; no amino-acid change (glutamic acid 411 retained).
Molecular consequence: synonymous variant.
Genome position (GRCh38, 1-based): chr17:17,216,447, C>T on the plus strand (G>A on the coding strand, the complement: FLCN is on the minus strand). VCF-style: chr17-17216447-C-T. GRCh37 (hg19) VCF-style: chr17-17119761-C-T.
Other names: p.Glu411=; c.1287G>A, p.Glu429= (NM_001353229.2); c.1233G>A, p.Glu411= (NM_001353230.2, NM_001353231.2).
Identifiers: ClinVar variation 96474 (VCV000096474.45), dbSNP rs61750032, ClinGen allele CA149546.
Genomic context (GRCh38, chr17:17,216,447, plus strand): 5'-GAGCACGTGGGGGGGGATCTGCACGTGCGGGCTGAGCCCCAGGAAGTTGCACCGATAGGC[C>T]TCCTCGTACTGGCTGCTGTATGGGATGATGCGGACGCAGCCCACGGGAAGCATGGTCTGA-3'
Protein context (NP_659434.2, residues 401-421): RIIPYSSQYE[Glu411=]AYRCNFLGLS

ClinVar aggregate classification (germline): Benign/Likely benign. Review status: criteria provided, multiple submitters, no conflicts (2 of 4 stars). 20 submissions from 19 submitters: Benign (16); Likely benign (1). 3 of the submissions do not count toward it. Last evaluated 2026-02-04.

Conditions:
Birt-Hogg-Dube syndrome 1 (BHD1). Also called: FIBROFOLLICULOMAS WITH TRICHODISCOMAS AND ACROCHORDONS. Identifiers: Orphanet 122, MedGen CN375946, MONDO:0800445, OMIM 135150.
Hereditary cancer-predisposing syndrome. Also called: Hereditary Cancer Syndrome; Hereditary neoplastic syndrome; Neoplastic Syndromes, Hereditary; Tumor predisposition. Identifiers: Orphanet 140162, MedGen C0027672, MeSH D009386, MONDO:0015356.
Familial spontaneous pneumothorax (PSP). Identifiers: Orphanet 2903, MedGen C1868193, MONDO:0008259, OMIM 173600.
Birt-Hogg-Dube syndrome. Also called: Birt Hogg Dubé syndrome. Identifiers: Orphanet 122, MedGen C0346010, MONDO:0800444.

Allele frequency attached by ClinVar (database versions not stated): gnomAD exomes 0.00499 and 0.01048; ExAC 0.01218; 1000 Genomes Project 0.03295; gnomAD 0.03330 and 0.03557; 1000 Genomes Project 30x 0.03763; ESP Exome Variant Server 0.03814; TOPMed 0.03822.
gnomAD v4.1: 12,762 of 1,613,828 alleles (0.79%); highest among the groups gnomAD compares: African/African-American, 11%; 514 homozygotes.

Submissions (20):

Labcorp Genetics (formerly Invitae), Labcorp
Classification: Benign for Birt-Hogg-Dube syndrome. Last evaluated: 2026-02-04. Review status: criteria provided, single submitter. Criteria: Invitae Variant Classification Sherloc (09022015). Collection method: clinical testing. Allele origin: germline.

Quest Diagnostics Nichols Institute San Juan Capistrano
Classification: Benign. Last evaluated: 2025-05-06. Review status: criteria provided, single submitter. Criteria: Quest Diagnostics criteria. Collection method: clinical testing. Allele origin: unknown.

Center for Genomic Medicine, Rigshospitalet, Copenhagen University Hospital
Classification: Benign. Last evaluated: 2025-03-04. Review status: criteria provided, single submitter. Criteria: ACMG Guidelines, 2015. Collection method: clinical testing. Allele origin: germline.

Blueprint Genetics
Classification: Likely benign. Last evaluated: 2024-11-27. Review status: criteria provided, single submitter. Criteria: ACMG Guidelines, 2015. Collection method: clinical testing. Allele origin: germline.

Myriad Genetics, Inc.
Classification: Benign for Birt-Hogg-Dube syndrome 1. Last evaluated: 2024-10-24. Review status: criteria provided, single submitter. Criteria: Myriad Autosomal Dominant, Autosomal Recessive and X-Linked Classification Criteria (2023). Collection method: clinical testing. Allele origin: unknown.
Comment: This variant is considered benign. This variant is a silent/synonymous amino acid change and it is not expected to impact splicing.

KCCC/NGS Laboratory, Kuwait Cancer Control Center
Classification: Benign for Birt-Hogg-Dube syndrome 1. Last evaluated: 2023-07-07. Review status: criteria provided, single submitter. Criteria: ACMG Guidelines, 2015. Collection method: clinical testing. Allele origin: germline. Affected: yes.

Department of Pathology and Laboratory Medicine, Sinai Health System
Classification: Benign for Birt-Hogg-Dube syndrome 1. Last evaluated: 2022-06-07. Review status: criteria provided, single submitter. Criteria: ACMG Guidelines, 2015. Collection method: clinical testing. Allele origin: germline. Affected: yes.

Mayo Clinic Laboratories, Mayo Clinic
Classification: Benign. Last evaluated: 2022-04-08. Review status: criteria provided, single submitter. Criteria: ACMG Guidelines, 2015. Collection method: clinical testing. Allele origin: germline. Observed: 30 variant alleles.

Illumina Laboratory Services, Illumina
Classification: Benign for Birt-Hogg-Dube syndrome 1. Last evaluated: 2018-01-12. Review status: criteria provided, single submitter. Criteria: ICSL Variant Classification Criteria 13 December 2019. Collection method: clinical testing. Allele origin: germline.
Comment: This variant was observed in the ICSL laboratory as part of a predisposition screen in an ostensibly healthy population. It had not been previously curated by ICSL or reported in the Human Gene Mutation Database (HGMD: prior to June 1st, 2018), and was therefore a candidate for classification through an automated scoring system. Utilizing variant allele frequency, disease prevalence and penetrance estimates, and inheritance mode, an automated score was calculated to assess if this variant is too frequent to cause the disease. Based on the score and internal cut-off values, a variant classified as benign is not then subjected to further curation. The score for this variant resulted in a classification of benign for this disease.

Illumina Laboratory Services, Illumina
Classification: Benign for Familial spontaneous pneumothorax. Last evaluated: 2018-01-12. Review status: criteria provided, single submitter. Criteria: ICSL Variant Classification Criteria 13 December 2019. Collection method: clinical testing. Allele origin: germline.
Comment: the same text as in the submission from Illumina Laboratory Services, Illumina above.

Women's Health and Genetics/Laboratory Corporation of America, LabCorp
Classification: Benign. Last evaluated: 2016-05-04. Review status: criteria provided, single submitter. Criteria: LabCorp Variant Classification Summary - May 2015. Collection method: clinical testing. Allele origin: germline.
Comment: Variant summary: The c.1233G>A (p.Glu441Glu) variant in FLCN affects a non-conserved nucleotide, resulting in a synonymous change. 5/5 splice-tools in Alamut predict no significant effect on splicing, although these predictions have yet to be confirmed by functional studies. This variant is found in 1437/117988 control chromosomes (58 homozygotes) at a frequency of 0.0121792, which is about 9743 times of the maximal expected frequency of a pathogenic allele (0.0000013), strong evidence that this variant is benign. In addition, multiple reputable clinical laboratories have classified this variant as benign. Taken together, this variant was classified as benign.

GeneDx
Classification: Benign. Last evaluated: 2015-03-03. Review status: criteria provided, single submitter. Criteria: GeneDx Variant Classification Process June 2021. Collection method: clinical testing. Allele origin: germline. Affected: yes.

Ambry Genetics
Classification: Benign for Hereditary cancer-predisposing syndrome. Last evaluated: 2014-08-13. Review status: criteria provided, single submitter. Criteria: Ambry Variant Classification Scheme 2023. Collection method: clinical testing. Allele origin: germline.

Laboratory for Molecular Medicine, Mass General Brigham Personalized Medicine
Classification: Benign. Last evaluated: 2013-02-21. Review status: criteria provided, single submitter. Criteria: LMM Criteria. Collection method: clinical testing. Allele origin: germline. Observed: 2 variant alleles.
Comment: Glu411Glu in exon 11 of FLCN: This variant is not expected to have clinical sign ificance because it does not alter an amino acid residue and is not located with in the splice consensus sequence. It has been identified in 10.6% (468/4406) of African American chromosomes from a broad population by the NHLBI Exome Sequenci ng Project (dbSNP rs61750032).

Eurofins Ntd Llc (ga)
Classification: Benign. Last evaluated: 2012-08-29. Review status: criteria provided, single submitter. Criteria: EGL Classification Definitions 2015. Collection method: clinical testing. Allele origin: germline. Observed: 5 variant alleles, 5 heterozygotes.

Breakthrough Genomics
Classification: Benign. Review status: criteria provided, single submitter. Criteria: ACMG Guidelines, 2015. Collection method: not provided. Allele origin: germline. Inheritance: Autosomal dominant inheritance. Affected: yes.

PreventionGenetics, part of Exact Sciences
Classification: Benign. Review status: criteria provided, single submitter. Criteria: ACMG Guidelines, 2015. Collection method: clinical testing. Allele origin: germline.

Clinical Genetics DNA and cytogenetics Diagnostics Lab, Erasmus MC, Erasmus Medical Center
Classification: Benign. Review status: no assertion criteria provided. Collection method: clinical testing. Allele origin: germline. Affected: yes. Study: VKGL Data-share Consensus. Not counted in ClinVar's aggregate classification.

Genome Diagnostics Laboratory, Amsterdam University Medical Center
Classification: Likely benign. Review status: no assertion criteria provided. Collection method: clinical testing. Allele origin: germline. Affected: yes. Study: VKGL Data-share Consensus. Not counted in ClinVar's aggregate classification.

Joint Genome Diagnostic Labs from Nijmegen and Maastricht, Radboudumc and MUMC+
Classification: Benign. Review status: no assertion criteria provided. Collection method: clinical testing. Allele origin: germline. Affected: yes. Study: VKGL Data-share Consensus. Not counted in ClinVar's aggregate classification.